The following is an entry in ClinVar:

NM_024818.6(UBA5):c.736C>T (p.Arg246Ter)

Genes: NPHP3-ACAD11 (NPHP3-ACAD11 readthrough (NMD candidate); minus strand), UBA5 (ubiquitin like modifier activating enzyme 5; plus strand). Cytogenetic location: 3q22.1.
Variant type: single nucleotide variant.
Coding change: c.736C>T on transcript NM_024818.6 (MANE Select); coding-DNA position 736, C replaced by T.
Protein change: p.Arg246Ter; replaces arginine 246 with a stop codon.
Molecular consequence: nonsense.
Genome position (GRCh38, 1-based): chr3:132,672,101, C>T. VCF-style: chr3-132672101-C-T. GRCh37 (hg19) VCF-style: chr3-132390945-C-T.
Other names: c.568C>T, p.Arg190Ter (NM_001320210.2, NM_198329.4); c.466C>T, p.Arg156Ter (NM_001321238.2); c.400C>T, p.Arg134Ter (NM_001321239.1); short protein forms R246*, R190*, R156*, R134*.
Identifiers: ClinVar variation 265756 (VCV000265756.5), dbSNP rs540839115, ClinGen allele CA2621447.
Genomic context (GRCh38, chr3:132,672,101, plus strand): 5'-TTCATGTAGTGTGCTCCACCACTTGTAGTTGCTGCAAATATTGATGAAAAGACTCTGAAA[C>T]GAGAAGGTGTTTGTGCAGCCAGTCTTCCTACCACTATGGGTGTGGTTGCTGGGATCTTAG-3'

ClinVar aggregate classification (germline): Likely pathogenic. Review status: criteria provided, single submitter (1 of 4 stars). 3 submissions from 3 submitters: Likely pathogenic (1). 2 of the submissions do not count toward it. Last evaluated 2024-09-17.

Conditions:
UBA5-related disorder. Also called: UBA5-related condition; UBA5-related disorders.
Spinocerebellar ataxia, autosomal recessive 24 (SCAR24). Identifiers: MedGen C4310699, MONDO:0014934, OMIM 617133.

Allele frequency attached by ClinVar (database versions not stated): 1000 Genomes Project 30x 0.00016; 1000 Genomes Project 0.00020.
gnomAD v4.1: 5 of 1,613,832 alleles (0.00031%); highest among the groups gnomAD compares: East Asian, 0.0045%; no homozygotes.

Submissions (3):

Blueprint Genetics
Classification: Likely pathogenic for UBA5-related disorders. Last evaluated: 2024-09-17. Review status: criteria provided, single submitter. Criteria: ACMG Guidelines, 2015. Collection method: clinical testing. Allele origin: germline. Affected: yes. Observed: 1 variant allele.

PreventionGenetics, part of Exact Sciences
Classification: Pathogenic for UBA5-related condition. Last evaluated: 2024-05-27. Review status: no assertion criteria provided. Collection method: clinical testing. Allele origin: germline. Not counted in ClinVar's aggregate classification.
Comment: The UBA5 c.736C>T variant is predicted to result in premature protein termination (p.Arg246*). This variant has been reported in the compound heterozygous state in two siblings with cerebellar ataxia (Duan et al. 2016. PubMed ID: 26872069). This variant is reported in 0.016% of alleles in individuals of East Asian descent in gnomAD. Nonsense variants in UBA5 are expected to be pathogenic. This variant is interpreted as pathogenic.

OMIM
Classification: Pathogenic for SPINOCEREBELLAR ATAXIA, AUTOSOMAL RECESSIVE 24 (1 family). Last evaluated: 2022-04-19. Review status: no assertion criteria provided. Collection method: literature only. Allele origin: germline. Not counted in ClinVar's aggregate classification.

Literature cited by the submitters: PubMed 26872069 (cited by OMIM).